The following is an entry in ClinVar:

NM_006533.3(MIA):c.-20_-9del12

Gene: MIA (MIA SH3 domain containing; plus strand). Cytogenetic location: 19q13.2.
Variant type: Deletion.
Coding change: c.-20_-9del12 on transcript NM_006533.3; 20 bases upstream of the start codon through 9 bases upstream of the start codon, 12 bases deleted (TCTCTTGCTCAC).
Molecular consequence: intron variant (on NM_001202553.2).
Genome position (GRCh38, 1-based): chr19:40,775,523-40,775,534, TCTCTTGCTCAC deleted; deleting any 12 consecutive bases within chr19:40,775,514-40,775,534 gives the same sequence; the c. name uses the placement nearest the transcript's 3' end. VCF-style (leftmost placement, unchanged base first): chr19-40775513-CCTTGCTCACTCT-C. GRCh37 (hg19) VCF-style: chr19-41281418-CCTTGCTCACTCT-C.
Other names: c.-6-14_-6-3del (NM_001202553.2).
Identifiers: ClinVar variation 3052511 (VCV003052511.2), dbSNP rs1405728619, ClinGen allele CA882267051.

ClinVar aggregate classification (germline): Likely benign (0 of 4 stars; one submission).

Conditions:
MIA-related disorder. Also called: MIA-related condition.

Submission:

PreventionGenetics, part of Exact Sciences
Classification: Likely benign for MIA-related condition. Last evaluated: 2019-08-29. Review status: no assertion criteria provided. Collection method: clinical testing. Allele origin: germline.
Comment: This variant is classified as likely benign based on ACMG/AMP sequence variant interpretation guidelines (Richards et al. 2015 PMID: 25741868, with internal and published modifications).